The following is an entry in ClinVar:

ClinVar aggregate classification (germline): Uncertain significance. Review status: criteria provided, multiple submitters, no conflicts (2 of 4 stars). 2 submissions from 2 submitters: Uncertain significance (2). Last evaluated 2025-06-12.

Conditions:
Asphyxiating thoracic dystrophy 5 (SRTD5). Also called: SHORT-RIB THORACIC DYSPLASIA 5 WITH OR WITHOUT POLYDACTYLY; SHORT-RIB THORACIC DYSPLASIA 5 WITHOUT POLYDACTYLY. Identifiers: Orphanet 474, MedGen C3280598, MONDO:0013717, OMIM 614376.
Senior-Loken syndrome 8 (SLSN8). Identifiers: Orphanet 3156, MedGen C4225376, MONDO:0014579, OMIM 616307.

Allele frequency attached by ClinVar (database versions not stated): ExAC 0.00001; gnomAD exomes 0.00001 and below 0.00001; TOPMed 0.00002; gnomAD 0.00003; ESP Exome Variant Server 0.00008.
gnomAD v4.1: 5 of 1,596,156 alleles (0.00031%); highest among the groups gnomAD compares: African/African-American, 0.0068%; no homozygotes.

Submissions (2):

Labcorp Genetics (formerly Invitae), Labcorp
Classification: Uncertain significance for Senior-Loken syndrome 8; Asphyxiating thoracic dystrophy 5. Last evaluated: 2025-06-12. Review status: criteria provided, single submitter. Criteria: Invitae Variant Classification Sherloc (09022015). Collection method: clinical testing. Allele origin: germline.
Comment: This sequence change replaces methionine, which is neutral and non-polar, with isoleucine, which is neutral and non-polar, at codon 96 of the WDR19 protein (p.Met96Ile). This variant is present in population databases (rs374891297, gnomAD 0.01%). This variant has not been reported in the literature in individuals affected with WDR19-related conditions. ClinVar contains an entry for this variant (Variation ID: 1487764). Invitae Evidence Modeling of protein sequence and biophysical properties (such as structural, functional, and spatial information, amino acid conservation, physicochemical variation, residue mobility, and thermodynamic stability) indicates that this missense variant is not expected to disrupt WDR19 protein function with a negative predictive value of 80%. In summary, the available evidence is currently insufficient to determine the role of this variant in disease. Therefore, it has been classified as a Variant of Uncertain Significance.

ARUP Laboratories, Molecular Genetics and Genomics, ARUP Laboratories
Classification: Uncertain significance. Last evaluated: 2022-04-05. Review status: criteria provided, single submitter. Criteria: ARUP Molecular Germline Variant Investigation Process 2021. Collection method: clinical testing. Allele origin: germline.
Comment: The WDR19 c.288G>A; p.Met96Ile variant (rs374891297), to our knowledge, is not reported in the medical literature but is reported in ClinVar (Variation ID: 1487764). This variant is found in the African population with an allele frequency of 0.014% (2/14,780 alleles) in the Genome Aggregation Database. The methionine at codon 96 is moderately conserved, but computational analyses predict that this variant is neutral (REVEL: 0.14). Due to limited information, the clinical significance of the p.Met96Ile variant is uncertain at this time.

NM_025132.4(WDR19):c.288G>A (p.Met96Ile)

Gene: WDR19 (WD repeat domain 19; plus strand). Cytogenetic location: 4p14.
Variant type: single nucleotide variant.
Coding change: c.288G>A on transcript NM_025132.4 (MANE Select); coding-DNA position 288, G replaced by A.
Protein change: p.Met96Ile; replaces methionine 96 with isoleucine.
Molecular consequence: missense variant. On other transcripts: 5 prime UTR variant (1).
Genome position (GRCh38, 1-based): chr4:39,189,779, G>A. VCF-style: chr4-39189779-G-A. GRCh37 (hg19) VCF-style: chr4-39191399-G-A.
Other names: c.-77G>A (NM_001317924.2); short protein forms M96I.
Identifiers: ClinVar variation 1487764 (VCV001487764.10), dbSNP rs374891297, ClinGen allele CA2891578.
Genomic context (GRCh38, chr4:39,189,779, plus strand): 5'-TAGCTGCATTTATCTTTGGGATGCCAACACAAATAAGACCAGCCAGTTAGACAATGGCAT[G>A]AGGTAAGATAACTTTTTAATTTTTTAAAGCTTCACTTAGAAACATGAATATTTGTAGGTT-3'
Protein context (NP_079408.3, residues 86-106): TNKTSQLDNG[Met96Ile]RDQMSFLLWS